The following is an entry in ClinVar:

NM_000263.4(NAGLU):c.1650G>A (p.Leu550=)

Gene: NAGLU (N-acetyl-alpha-glucosaminidase; plus strand). Cytogenetic location: 17q21.2.
Variant type: single nucleotide variant.
Coding change: c.1650G>A on transcript NM_000263.4 (MANE Select); coding-DNA position 1650, G replaced by A.
Protein change: p.Leu550=; no amino-acid change (leucine 550 retained).
Molecular consequence: synonymous variant.
Genome position (GRCh38, 1-based): chr17:42,543,656, G>A. VCF-style: chr17-42543656-G-A. GRCh37 (hg19) VCF-style: chr17-40695674-G-A.
Identifiers: ClinVar variation 2108812 (VCV002108812.4), dbSNP rs771056028, ClinGen allele CA8577068.

ClinVar aggregate classification (germline): Uncertain significance (1 of 4 stars; one submission).

Conditions:
Charcot-Marie-Tooth disease axonal type 2V. Also called: CHARCOT-MARIE-TOOTH NEUROPATHY, TYPE 2V; CHARCOT-MARIE-TOOTH DISEASE, AXONAL, AUTOSOMAL DOMINANT, TYPE 2V. Identifiers: Orphanet 447964, MedGen C5569050, MONDO:0014665, OMIM 616491.
Mucopolysaccharidosis, MPS-III-B (MPS3B). Also called: N-ACETYL-ALPHA-D-GLUCOSAMINIDASE DEFICIENCY; NAGLU DEFICIENCY; SANFILIPPO SYNDROME B; MPS III B; MUCOPOLYSACCHARIDOSIS, TYPE IIIB; MPS IIIB (Sanfilippo Syndrome Type B). Identifiers: Orphanet 79270, MedGen C0086648, MONDO:0009656, OMIM 252920.

Allele frequency attached by ClinVar (database versions not stated): ExAC 0.00001.

Submission:

Labcorp Genetics (formerly Invitae), Labcorp
Classification: Uncertain significance for Charcot-Marie-Tooth disease axonal type 2V; Mucopolysaccharidosis, MPS-III-B. Last evaluated: 2023-10-03. Review status: criteria provided, single submitter. Criteria: Invitae Variant Classification Sherloc (09022015). Collection method: clinical testing. Allele origin: germline.
Comment: This sequence change affects codon 550 of the NAGLU mRNA. It is a 'silent' change, meaning that it does not change the encoded amino acid sequence of the NAGLU protein. This variant is present in population databases (rs771056028, gnomAD 0.0009%). This variant has not been reported in the literature in individuals affected with NAGLU-related conditions. ClinVar contains an entry for this variant (Variation ID: 2108812). Algorithms developed to predict the effect of sequence changes on RNA splicing suggest that this variant may create or strengthen a splice site. In summary, the available evidence is currently insufficient to determine the role of this variant in disease. Therefore, it has been classified as a Variant of Uncertain Significance.